The following is an entry in ClinVar:

NM_021930.6(RINT1):c.1229G>C (p.Arg410Thr)

Gene: RINT1 (RAD50 interactor 1; plus strand). Cytogenetic location: 7q22.3.
Variant type: single nucleotide variant.
Coding change: c.1229G>C on transcript NM_021930.6 (MANE Select); coding-DNA position 1229, G replaced by C.
Protein change: p.Arg410Thr; replaces arginine 410 with threonine.
Molecular consequence: missense variant. On other transcripts: non-coding transcript variant (1).
Genome position (GRCh38, 1-based): chr7:105,550,382, G>C. VCF-style: chr7-105550382-G-C. GRCh37 (hg19) VCF-style: chr7-105190829-G-C.
Other names: c.995G>C, p.Arg332Thr (NM_001346599.2); c.206G>C, p.Arg69Thr (NM_001346600.2, NM_001346603.2); c.305G>C, p.Arg102Thr (NM_001346601.2); short protein forms R410T, R69T, R102T, R332T.
Identifiers: ClinVar variation 4154613 (VCV004154613.1).

ClinVar aggregate classification (germline): Uncertain significance (1 of 4 stars; one submission).

Submission:

Ambry Genetics
Classification: Uncertain significance. Last evaluated: 2025-08-01. Review status: criteria provided, single submitter. Criteria: Ambry Variant Classification Scheme 2023. Collection method: clinical testing. Allele origin: germline.
Comment: The p.R410T variant (also known as c.1229G>C), located in coding exon 9 of the RINT1 gene, results from a G to C substitution at nucleotide position 1229. The arginine at codon 410 is replaced by threonine, an amino acid with similar properties. This amino acid position is conserved. In addition, this alteration is predicted to be tolerated by in silico analysis. Based on the available evidence, the clinical significance of this variant remains unclear.